The following is an entry in ClinVar:

ClinVar aggregate classification (germline): Uncertain significance. Review status: criteria provided, multiple submitters, no conflicts (2 of 4 stars). 7 submissions from 7 submitters: Uncertain significance (5). 2 of the submissions do not count toward it. Last evaluated 2026-03-09.

Conditions:
Monogenic hearing loss.
Inborn genetic diseases. Identifiers: MedGen C0950123, MeSH D030342.
MYO15A-related disorder. Also called: MYO15A-related condition.

Allele frequency attached by ClinVar (database versions not stated): gnomAD 0.00001; gnomAD exomes 0.00002; TOPMed 0.00002; ExAC 0.00003; ESP Exome Variant Server 0.00008.
gnomAD v4.1: 36 of 1,613,876 alleles (0.0022%); highest among the groups gnomAD compares: South Asian, 0.0088%; no homozygotes.

Submissions (7):

PreventionGenetics, part of Exact Sciences
Classification: Uncertain significance for MYO15A-related condition. Last evaluated: 2026-03-09. Review status: criteria provided, single submitter. Criteria: ACMG Guidelines, 2015. Collection method: clinical testing. Allele origin: germline.
Comment: The MYO15A c.4666G>A variant is predicted to result in the amino acid substitution p.Ala1556Thr. This variant was reported in the heterozygous state along with a second MYO15A likely causative variant in an individual with non-syndromic hearing loss (Zhang et al. 2019. PubMed ID: 30953472) and was also reported as de novo in a cohort of autism patients (Supplementary Data 1, Zhou et al. 2022. PubMed ID: 35982159; Table S20, Fu et al. 2022. PubMed ID: 35982160). This variant is reported in 0.0098% of alleles in individuals of South Asian descent in gnomAD. At this time, the clinical significance of this variant is uncertain due to the absence of conclusive functional and genetic evidence.

Genetics Laboratory, Great Ormond Street Hospital NHS Foundation Trust, North Thames Genomic Laboratory Hub
Classification: Uncertain significance for Monogenic hearing loss. Last evaluated: 2025-08-19. Review status: criteria provided, single submitter. Criteria: ACGS Best Practice Guidelines for Variant Classification in Rare Disease 2024 v1.2. Collection method: clinical testing. Allele origin: germline. Affected: yes.
Comment: PM2_moderate, PP3_supporting, PM3_moderate

Ambry Genetics
Classification: Uncertain significance for Inborn genetic diseases. Last evaluated: 2024-01-18. Review status: criteria provided, single submitter. Criteria: Ambry Variant Classification Scheme 2023. Collection method: clinical testing. Allele origin: germline.
Comment: The c.4666G>A (p.A1556T) alteration is located in exon 15 (coding exon 14) of the MYO15A gene. This alteration results from a G to A substitution at nucleotide position 4666, causing the alanine (A) at amino acid position 1556 to be replaced by a threonine (T). Based on data from gnomAD, the A allele has an overall frequency of 0.002% (5/249204) total alleles studied. The highest observed frequency was 0.01% (3/30600) of South Asian alleles. This variant has been identified in conjunction with another MYO15A variant in an individual with features consistent with MYO15A-related deafness; however, the phase of the two variants is unknown (Zhang, 2019). This amino acid position is highly conserved in available vertebrate species. This alteration is predicted to be deleterious by in silico analysis. Based on insufficient or conflicting evidence, the clinical significance of this alteration remains unclear.

GeneDx
Classification: Uncertain significance. Last evaluated: 2023-08-23. Review status: criteria provided, single submitter. Criteria: GeneDx Variant Classification Process June 2021. Collection method: clinical testing. Allele origin: germline. Affected: yes.
Comment: In silico analysis supports that this missense variant has a deleterious effect on protein structure/function; This variant is associated with the following publications: (PMID: 35982160, 35982159, 30953472)

Blueprint Genetics
Classification: Uncertain significance. Last evaluated: 2023-04-25. Review status: criteria provided, single submitter. Criteria: ACMG Guidelines, 2015. Collection method: clinical testing. Allele origin: germline.

Clinical Genetics DNA and cytogenetics Diagnostics Lab, Erasmus MC, Erasmus Medical Center
Classification: Uncertain significance. Review status: no assertion criteria provided. Collection method: clinical testing. Allele origin: germline. Affected: yes. Study: VKGL Data-share Consensus. Not counted in ClinVar's aggregate classification.

Joint Genome Diagnostic Labs from Nijmegen and Maastricht, Radboudumc and MUMC+
Classification: Uncertain significance. Review status: no assertion criteria provided. Collection method: clinical testing. Allele origin: germline. Affected: yes. Study: VKGL Data-share Consensus. Not counted in ClinVar's aggregate classification.

Literature cited by the submitters: PubMed 30953472 (cited by Ambry Genetics).

NM_016239.4(MYO15A):c.4666G>A (p.Ala1556Thr)

Gene: MYO15A (myosin XVA; plus strand). Cytogenetic location: 17p11.2.
Variant type: single nucleotide variant.
Coding change: c.4666G>A on transcript NM_016239.4 (MANE Select); coding-DNA position 4666, G replaced by A.
Protein change: p.Ala1556Thr; replaces alanine 1556 with threonine.
Molecular consequence: missense variant.
Genome position (GRCh38, 1-based): chr17:18,136,573, G>A. VCF-style: chr17-18136573-G-A. GRCh37 (hg19) VCF-style: chr17-18039887-G-A.
Other names: c.4666G>A (NM_016239.3); short protein forms A1556T.
Identifiers: ClinVar variation 1297622 (VCV001297622.8), dbSNP rs199556087, ClinGen allele CA8423995.